The following is an entry in ClinVar:

NM_013447.4(ADGRE2):c.1537C>T (p.Arg513Cys)

Gene: ADGRE2 (adhesion G protein-coupled receptor E2; minus strand). Cytogenetic location: 19p13.12.
Variant type: single nucleotide variant.
Coding change: c.1537C>T on transcript NM_013447.4 (MANE Select); coding-DNA position 1537, C replaced by T.
Protein change: p.Arg513Cys; replaces arginine 513 with cysteine.
Molecular consequence: missense variant. On other transcripts: intron variant (1).
Genome position (GRCh38, 1-based): chr19:14,755,007, G>A on the plus strand (C>T on the coding strand, the complement: ADGRE2 is on the minus strand). VCF-style: chr19-14755007-G-A. GRCh37 (hg19) VCF-style: chr19-14865819-G-A.
Other names: c.1390C>T, p.Arg464Cys (NM_152916.2); c.1258C>T, p.Arg420Cys (NM_152917.2); c.1416+647C>T (NM_001271052.1); short protein forms R420C, R513C, R464C.
Identifiers: ClinVar variation 4761500 (VCV004761500.1).

ClinVar aggregate classification (germline): Uncertain significance (1 of 4 stars; one submission).

gnomAD v4.1: 7 of 1,614,120 alleles (0.00043%); highest among the groups gnomAD compares: East Asian, 0.0045%; no homozygotes.

Submission:

Labcorp Genetics (formerly Invitae), Labcorp
Classification: Uncertain significance. Last evaluated: 2025-07-08. Review status: criteria provided, single submitter. Criteria: Invitae Variant Classification Sherloc (09022015). Collection method: clinical testing. Allele origin: germline.
Comment: This sequence change replaces arginine, which is basic and polar, with cysteine, which is neutral and slightly polar, at codon 513 of the ADGRE2 protein (p.Arg513Cys). This variant is not present in population databases (gnomAD no frequency). This variant has not been reported in the literature in individuals affected with ADGRE2-related conditions. An algorithm developed to predict the effect of missense changes on protein structure and function (PolyPhen-2) suggests that this variant is likely to be tolerated. In summary, the available evidence is currently insufficient to determine the role of this variant in disease. Therefore, it has been classified as a Variant of Uncertain Significance.